The following is an entry in ClinVar:

ClinVar aggregate classification (germline): Likely benign. Review status: criteria provided, multiple submitters, no conflicts (2 of 4 stars). 4 submissions from 4 submitters: Likely benign (3). 1 of the submissions does not count toward it. Last evaluated 2026-07-01.

Conditions:
CACNA1D-related disorder.

Allele frequency attached by ClinVar (database versions not stated): ExAC 0.00004; gnomAD exomes 0.00005 and 0.00008; TOPMed 0.00006; gnomAD 0.00007.
gnomAD v4.1: 129 of 1,614,072 alleles (0.008%); highest among the groups gnomAD compares: Non-Finnish European, 0.01%; no homozygotes.

Submissions (4):

CeGaT Center for Human Genetics Tuebingen
Classification: Likely benign. Last evaluated: 2026-07-01. Review status: criteria provided, single submitter. Criteria: CeGaT Center For Human Genetics Tuebingen Variant Classification Criteria Version 2. Collection method: clinical testing. Allele origin: germline. Affected: yes. Observed: 1 variant allele.
Comment: CACNA1D: BP4, BP7

Labcorp Genetics (formerly Invitae), Labcorp
Classification: Likely benign. Last evaluated: 2026-01-27. Review status: criteria provided, single submitter. Criteria: Invitae Variant Classification Sherloc (09022015). Collection method: clinical testing. Allele origin: germline.

Blueprint Genetics
Classification: Likely benign. Last evaluated: 2024-06-25. Review status: criteria provided, single submitter. Criteria: ACMG Guidelines, 2015. Collection method: clinical testing. Allele origin: germline.

PreventionGenetics, part of Exact Sciences
Classification: Likely benign for CACNA1D-related condition. Last evaluated: 2019-05-28. Review status: no assertion criteria provided. Collection method: clinical testing. Allele origin: germline. Not counted in ClinVar's aggregate classification.
Comment: This variant is classified as likely benign based on ACMG/AMP sequence variant interpretation guidelines (Richards et al. 2015 PMID: 25741868, with internal and published modifications).

NM_001128840.3(CACNA1D):c.1554C>T (p.Ala518=)

Gene: CACNA1D (calcium voltage-gated channel subunit alpha1 D; plus strand). Cytogenetic location: 3p21.1.
Variant type: single nucleotide variant.
Coding change: c.1554C>T on transcript NM_001128840.3 (MANE Select); coding-DNA position 1554, C replaced by T.
Protein change: p.Ala518=; no amino-acid change (alanine 518 retained).
Molecular consequence: synonymous variant.
Genome position (GRCh38, 1-based): chr3:53,722,362, C>T. VCF-style: chr3-53722362-C-T. GRCh37 (hg19) VCF-style: chr3-53756389-C-T.
Other names: c.1614C>T, p.Ala538= (NM_000720.4); c.1554C>T, p.Ala518= (NM_001128839.3).
Identifiers: ClinVar variation 799448 (VCV000799448.11), dbSNP rs200312541, ClinGen allele CA2454032.